The following is an entry in ClinVar:

ClinVar aggregate classification (germline): Benign. Review status: criteria provided, multiple submitters, no conflicts (2 of 4 stars). 4 submissions from 4 submitters: Benign (3). 1 of the submissions does not count toward it. Last evaluated 2023-01-23.

Conditions:
Inborn genetic diseases. Identifiers: MedGen C0950123, MeSH D030342.

Allele frequency attached by ClinVar (database versions not stated): gnomAD exomes 0.01947 and 0.01362; gnomAD 0.05462 and 0.05823; 1000 Genomes Project 0.05511; 1000 Genomes Project 30x 0.05996; TOPMed 0.06107; ExAC 0.02198; ESP Exome Variant Server 0.06351.
gnomAD v4.1: 28,513 of 1,613,452 alleles (1.8%); highest among the groups gnomAD compares: African/African-American, 17%; 1,193 homozygotes.

Submissions (4):

Mayo Clinic Laboratories, Mayo Clinic
Classification: Benign. Last evaluated: 2023-01-23. Review status: criteria provided, single submitter. Criteria: ACMG Guidelines, 2015. Collection method: clinical testing. Allele origin: germline. Observed: 21 variant alleles.

Ambry Genetics
Classification: Benign for Inborn genetic diseases. Last evaluated: 2016-04-18. Review status: criteria provided, single submitter. Criteria: Ambry Variant Classification Scheme 2023. Collection method: clinical testing. Allele origin: germline.

Breakthrough Genomics
Classification: Benign. Review status: criteria provided, single submitter. Criteria: ACMG Guidelines, 2015. Collection method: not provided. Allele origin: germline. Inheritance: Autosomal recessive inheritance. Affected: yes.

Genetic Services Laboratory, University of Chicago
Classification: Likely benign for AllHighlyPenetrant. Review status: no assertion criteria provided. Collection method: clinical testing. Allele origin: germline. Inheritance: Autosomal recessive inheritance. Not counted in ClinVar's aggregate classification.
Comment: Likely benign based on allele frequency in 1000 Genomes Project or ESP global frequency and its presence in a patient with a rare or unrelated disease phenotype. NOT Sanger confirmed.

NM_004056.6(CA8):c.334C>T (p.Leu112=)

Gene: CA8 (carbonic anhydrase 8 (inactive); minus strand). Cytogenetic location: 8q12.1.
Variant type: single nucleotide variant.
Coding change: c.334C>T on transcript NM_004056.6 (MANE Select); coding-DNA position 334, C replaced by T.
Protein change: p.Leu112=; no amino-acid change (leucine 112 retained).
Molecular consequence: synonymous variant. On other transcripts: non-coding transcript variant (1).
Genome position (GRCh38, 1-based): chr8:60,266,008, G>A on the plus strand (C>T on the coding strand, the complement: CA8 is on the minus strand). VCF-style: chr8-60266008-G-A. GRCh37 (hg19) VCF-style: chr8-61178567-G-A.
Other names: p.Leu112=; c.334C>T, p.Leu112= (NM_001321837.2, NM_001321838.2, NM_001321839.2).
Identifiers: ClinVar variation 128541 (VCV000128541.12), dbSNP rs61743130, ClinGen allele CA152069.
Genomic context (GRCh38, chr8:60,266,008, plus strand): 5'-TAACCGTGTGCTCAGAACCACGCTGGTTTTCTCTTCCCCAGTGAAATCTCACTTCGTACA[G>A]TTCAAATTCATGCCCTTGAGGCAATGGTCCTCCCGAAAGAACTGAAAAAGAAAATATATG-3'
Protein context (NP_004047.3, residues 102-122): GPLPQGHEFE[Leu112=]YEVRFHWGRE